The following is an entry in ClinVar:

NM_001384732.1(CPLANE1):c.5704G>A (p.Glu1902Lys)

Gene: CPLANE1 (ciliogenesis and planar polarity effector complex subunit 1; minus strand). Cytogenetic location: 5p13.2.
Variant type: single nucleotide variant.
Coding change: c.5704G>A on transcript NM_001384732.1 (MANE Select); coding-DNA position 5704, G replaced by A.
Protein change: p.Glu1902Lys; replaces glutamic acid 1902 with lysine.
Molecular consequence: missense variant.
Genome position (GRCh38, 1-based): chr5:37,180,050, C>T on the plus strand (G>A on the coding strand, the complement: CPLANE1 is on the minus strand). VCF-style: chr5-37180050-C-T. GRCh37 (hg19) VCF-style: chr5-37180152-C-T.
Other names: c.5704G>A, p.Glu1902Lys (NM_023073.4); short protein forms E1902K.
Identifiers: ClinVar variation 2020199 (VCV002020199.4), dbSNP rs763129992, ClinGen allele CA3238477.
Genomic context (GRCh38, chr5:37,180,050, plus strand): 5'-AAAAATAGATTATCTAAATGAACTGACCTTCATAGTCTGATATGTGCATATCCATTTCCT[C>T]TTCTGTAAATGCTTCTACTTCTAAAAGATTCTCATCAATATCTATAAATTCTTTTTTAGT-3'
Protein context (NP_001371661.1, residues 1892-1912): NLLEVEAFTE[Glu1902Lys]EMDMHISDYE

ClinVar aggregate classification (germline): Uncertain significance (1 of 4 stars; one submission).

Allele frequency attached by ClinVar (database versions not stated): gnomAD exomes below 0.00001; ExAC 0.00002.

Submission:

Labcorp Genetics (formerly Invitae), Labcorp
Classification: Uncertain significance. Last evaluated: 2022-07-29. Review status: criteria provided, single submitter. Criteria: Invitae Variant Classification Sherloc (09022015). Collection method: clinical testing. Allele origin: germline.
Comment: This sequence change replaces glutamic acid, which is acidic and polar, with lysine, which is basic and polar, at codon 1902 of the CPLANE1 protein (p.Glu1902Lys). In summary, the available evidence is currently insufficient to determine the role of this variant in disease. Therefore, it has been classified as a Variant of Uncertain Significance. Advanced modeling of protein sequence and biophysical properties (such as structural, functional, and spatial information, amino acid conservation, physicochemical variation, residue mobility, and thermodynamic stability) performed at Invitae indicates that this missense variant is not expected to disrupt CPLANE1 protein function. This variant has not been reported in the literature in individuals affected with CPLANE1-related conditions. This variant is present in population databases (rs763129992, gnomAD 0.003%).